The following is an entry in ClinVar:

ClinVar aggregate classification (germline): Uncertain significance. Review status: criteria provided, single submitter (1 of 4 stars). 2 submissions from 2 submitters: Uncertain significance (1). 1 of the submissions does not count toward it. Last evaluated 2017-06-07.

Conditions:
AP3B2-related disorder. Also called: AP3B2-related condition.

Submissions (2):

GeneDx
Classification: Uncertain significance. Last evaluated: 2017-06-07. Review status: criteria provided, single submitter. Criteria: GeneDx Variant Classification (06012015). Collection method: clinical testing. Allele origin: germline. Affected: yes.
Comment: The Y94C variant in the AP3B2 gene has not been reported previously as a pathogenic variant, nor as a benign variant, to our knowledge. The Y94C variant is not observed in large population cohorts (Lek et al., 2016; 1000 Genomes Consortium et al., 2015; Exome Variant Server). The Y94C variant is a non-conservative amino acid substitution, which is likely to impact secondary protein structure as these residues differ in polarity, charge, size and/or other properties. This substitution occurs at a position that is conserved across species, and in silico analysis predicts this variant is probably damaging to the protein structure/function. We interpret Y94C as a variant of uncertain significance.

PreventionGenetics, part of Exact Sciences
Classification: Uncertain significance for AP3B2-related condition. Last evaluated: 2024-08-30. Review status: no assertion criteria provided. Collection method: clinical testing. Allele origin: germline. Not counted in ClinVar's aggregate classification.
Comment: The AP3B2 c.281A>G variant is predicted to result in the amino acid substitution p.Tyr94Cys. This variant has been reported as a de novo variant in at least one individual with autism spectrum disorder (Supplementary Table 1, Kaplanis et al 2020. PubMed ID: 33057194; Supplementary Data 3, Zhou et al 2022. PubMed ID: 35982159). This variant has not been reported in a large population database, indicating this variant is rare. At this time, the clinical significance of this variant is uncertain due to the absence of conclusive functional and genetic evidence.

NM_001278512.2(AP3B2):c.281A>G (p.Tyr94Cys)

Genes: AP3B2 (adaptor related protein complex 3 subunit beta 2; minus strand), CPEB1-AS1 (CPEB1 antisense RNA 1; plus strand). Cytogenetic location: 15q25.2.
Variant type: single nucleotide variant.
Coding change: c.281A>G on transcript NM_001278512.2 (MANE Select); coding-DNA position 281, A replaced by G.
Protein change: p.Tyr94Cys; replaces tyrosine 94 with cysteine.
Molecular consequence: missense variant. On other transcripts: intron variant (1).
Genome position (GRCh38, 1-based): chr15:82,688,815, T>C on the plus strand (A>G on the coding strand, the complement: AP3B2 is on the minus strand). VCF-style: chr15-82688815-T-C. GRCh37 (hg19) VCF-style: chr15-83357567-T-C.
Other names: c.281A>G, p.Tyr94Cys (NM_001348440.2, NM_004644.5); c.264+343A>G (NM_001278511.2); c.281A>G (NM_004644.4); short protein forms Y94C.
Identifiers: ClinVar variation 432507 (VCV000432507.3), dbSNP rs1555468116, ClinGen allele CA393301497.